The following is an entry in ClinVar:

ClinVar aggregate classification (germline): Uncertain significance (1 of 4 stars; one submission).

Allele frequency attached by ClinVar (database versions not stated): TOPMed 0.00001; gnomAD 0.00002; ExAC 0.00003; gnomAD exomes 0.00005.
gnomAD v4.1: 66 of 1,610,598 alleles (0.0041%); highest among the groups gnomAD compares: Non-Finnish European, 0.0055%; no homozygotes.

Submissions (2):

Labcorp Genetics (formerly Invitae), Labcorp
Classification: Uncertain significance. Last evaluated: 2022-06-24. Review status: criteria provided, single submitter. Criteria: Invitae Variant Classification Sherloc (09022015). Collection method: clinical testing. Allele origin: germline.
Comment: In summary, the available evidence is currently insufficient to determine the role of this variant in disease. Therefore, it has been classified as a Variant of Uncertain Significance. Algorithms developed to predict the effect of missense changes on protein structure and function are either unavailable or do not agree on the potential impact of this missense change (SIFT: "Tolerated"; PolyPhen-2: "Probably Damaging"; Align-GVGD: "Class C0"). This variant has not been reported in the literature in individuals affected with TAPT1-related conditions. This variant is present in population databases (rs769946504, gnomAD 0.006%). This sequence change replaces lysine, which is basic and polar, with arginine, which is basic and polar, at codon 272 of the TAPT1 protein (p.Lys272Arg).

Dr. Peter K. Rogan Lab, Western University
No classification provided (evidence only). Condition: Gastric cancer. Review status: no classification provided. Collection method: in vitro. Allele origin: not applicable. Functional consequence: retained intron. Not counted in ClinVar's aggregate classification.

NM_153365.3(TAPT1):c.815A>G (p.Lys272Arg)

Gene: TAPT1 (transmembrane anterior posterior transformation 1; minus strand). Cytogenetic location: 4p15.32.
Variant type: single nucleotide variant.
Coding change: c.815A>G on transcript NM_153365.3 (MANE Select); coding-DNA position 815, A replaced by G.
Protein change: p.Lys272Arg; replaces lysine 272 with arginine.
Molecular consequence: missense variant.
Genome position (GRCh38, 1-based): chr4:16,186,812, T>C on the plus strand (A>G on the coding strand, the complement: TAPT1 is on the minus strand). VCF-style: chr4-16186812-T-C. GRCh37 (hg19) VCF-style: chr4-16188435-T-C.
Other names: short protein forms K272R.
Identifiers: ClinVar variation 2183440 (VCV002183440.3), dbSNP rs769946504, ClinGen allele CA2867431.